The following is an entry in ClinVar:

NM_025009.5(CEP135):c.1110+6T>C

Gene: CEP135 (centrosomal protein 135; plus strand). Cytogenetic location: 4q12.
Variant type: single nucleotide variant.
Coding change: c.1110+6T>C on transcript NM_025009.5 (MANE Select); 6 bases into the intron after coding-DNA position 1110, T replaced by C.
Molecular consequence: intron variant.
Genome position (GRCh38, 1-based): chr4:55,969,134, T>C. VCF-style: chr4-55969134-T-C. GRCh37 (hg19) VCF-style: chr4-56835300-T-C.
Identifiers: ClinVar variation 1960516 (VCV001960516.5), dbSNP rs371803603, ClinGen allele CA2927766.

ClinVar aggregate classification (germline): Uncertain significance (1 of 4 stars; one submission).

Allele frequency attached by ClinVar (database versions not stated): gnomAD exomes below 0.00001; TOPMed below 0.00001; ExAC 0.00001; gnomAD 0.00001; ESP Exome Variant Server 0.00008.
gnomAD v4.1: 3 of 1,610,304 alleles (0.00019%); highest among the groups gnomAD compares: African/African-American, 0.004%; no homozygotes.

Submission:

Labcorp Genetics (formerly Invitae), Labcorp
Classification: Uncertain significance. Last evaluated: 2023-07-10. Review status: criteria provided, single submitter. Criteria: Invitae Variant Classification Sherloc (09022015). Collection method: clinical testing. Allele origin: germline.
Comment: In summary, the available evidence is currently insufficient to determine the role of this variant in disease. Therefore, it has been classified as a Variant of Uncertain Significance. Variants that disrupt the consensus splice site are a relatively common cause of aberrant splicing (PMID: 17576681, 9536098). Algorithms developed to predict the effect of sequence changes on RNA splicing suggest that this variant is not likely to affect RNA splicing. ClinVar contains an entry for this variant (Variation ID: 1960516). This variant has not been reported in the literature in individuals affected with CEP135-related conditions. This sequence change falls in intron 9 of the CEP135 gene. It does not directly change the encoded amino acid sequence of the CEP135 protein. It affects a nucleotide within the consensus splice site. This variant is not present in population databases (gnomAD no frequency).

Literature cited by the submitters: PubMed 17576681; PubMed 9536098.